The following is an entry in ClinVar:

NM_021083.4(XK):c.979G>A (p.Glu327Lys)

Gene: XK (X-linked Kx blood group antigen, Kell and VPS13A binding protein; plus strand). Cytogenetic location: Xp21.1.
Variant type: single nucleotide variant.
Coding change: c.979G>A on transcript NM_021083.4 (MANE Select); coding-DNA position 979, G replaced by A.
Protein change: p.Glu327Lys; replaces glutamic acid 327 with lysine.
Molecular consequence: missense variant.
Genome position (GRCh38, 1-based): chrX:37,728,106, G>A. VCF-style: chrX-37728106-G-A. GRCh37 (hg19) VCF-style: chrX-37587359-G-A.
Other names: short protein forms E327K.
Identifiers: ClinVar variation 1300238 (VCV001300238.2), dbSNP rs2146834720, ClinGen allele CA412974884.

ClinVar aggregate classification (germline): not provided (0 of 4 stars; one submission).

Conditions:
XK-related neurodegenerative disease. Also called: NEUROACANTHOCYTOSIS, MCLEOD TYPE; MCLEOD PHENOTYPE; MCLEOD SYNDROME; McLeod neuroacanthocytosis syndrome; X-linked McLeod syndrome. Identifiers: Orphanet 59306, MedGen C0398568, MONDO:0018945, OMIM 300842. Disease mechanism: loss of function.

Allele frequency attached by ClinVar (database versions not stated): gnomAD exomes below 0.00001.
gnomAD v4.1: 1 of 1,211,198 alleles (0.000083%); highest among the groups gnomAD compares: Non-Finnish European, 0.00011%; no homozygotes.

Submission:

GeneReviews
No classification provided. Condition: XK-related neurodegenerative disease. Review status: no classification provided. Collection method: literature only. Allele origin: germline.
Comment: This reported XK missense variant predicted to disrupt either structure or function

Literature cited by the submitters: PubMed 17133513.